The following is an entry in ClinVar:

NM_000135.4(FANCA):c.2601G>C (p.Lys867Asn)

Gene: FANCA (FA complementation group A; minus strand). Cytogenetic location: 16q24.3.
Variant type: single nucleotide variant.
Coding change: c.2601G>C on transcript NM_000135.4 (MANE Select); coding-DNA position 2601, G replaced by C.
Protein change: p.Lys867Asn; replaces lysine 867 with asparagine.
Molecular consequence: missense variant.
Genome position (GRCh38, 1-based): chr16:89,767,141, C>G on the plus strand (G>C on the coding strand, the complement: FANCA is on the minus strand). VCF-style: chr16-89767141-C-G. GRCh37 (hg19) VCF-style: chr16-89833549-C-G.
Other names: c.2601G>C (LRG_495t1); c.2601G>C, p.Lys867Asn (NM_001286167.3); short protein forms K867N.
Identifiers: ClinVar variation 408186 (VCV000408186.8), dbSNP rs746889340, ClinGen allele CA16615023.

ClinVar aggregate classification (germline): Uncertain significance. Review status: criteria provided, multiple submitters, no conflicts (2 of 4 stars). 2 submissions from 2 submitters: Uncertain significance (2). Last evaluated 2022-04-05.

Conditions:
Fanconi anemia (FA). Also called: Fanconi's anemia. Identifiers: Orphanet 84, MedGen C0015625, MeSH D005199, MONDO:0019391.
Fanconi anemia complementation group A (FANCA). Also called: FANCA-Related Fanconi Anemia; Fanconi anemia, group A. Identifiers: Orphanet 84, MedGen C3469521, MONDO:0009215, OMIM 227650.

Submissions (2):

Fulgent Genetics
Classification: Uncertain significance for Fanconi anemia complementation group A. Last evaluated: 2022-04-05. Review status: criteria provided, single submitter. Criteria: ACMG Guidelines, 2015. Collection method: clinical testing. Allele origin: unknown.

Labcorp Genetics (formerly Invitae), Labcorp
Classification: Uncertain significance for Fanconi anemia. Last evaluated: 2021-08-28. Review status: criteria provided, single submitter. Criteria: Invitae Variant Classification Sherloc (09022015). Collection method: clinical testing. Allele origin: germline.
Comment: This sequence change replaces lysine with asparagine at codon 867 of the FANCA protein (p.Lys867Asn). The lysine residue is highly conserved and there is a moderate physicochemical difference between lysine and asparagine. This variant also falls at the last nucleotide of exon 27, which is part of the consensus splice site for this exon. This variant is not present in population databases (ExAC no frequency). This variant has not been reported in the literature in individuals affected with FANCA-related conditions. Algorithms developed to predict the effect of missense changes on protein structure and function are either unavailable or do not agree on the potential impact of this missense change (SIFT: "Deleterious"; PolyPhen-2: "Benign"; Align-GVGD: "Class C0"). Variants that disrupt the consensus splice site are a relatively common cause of aberrant splicing (PMID: 17576681, 9536098). Algorithms developed to predict the effect of sequence changes on RNA splicing suggest that this variant may disrupt the consensus splice site. In summary, the available evidence is currently insufficient to determine the role of this variant in disease. Therefore, it has been classified as a Variant of Uncertain Significance.

Literature cited by the submitters: PubMed 17576681 (cited by Labcorp Genetics (formerly Invitae), Labcorp); PubMed 9536098 (cited by Labcorp Genetics (formerly Invitae), Labcorp).